The following is an entry in ClinVar:

ClinVar aggregate classification (germline): Uncertain significance (1 of 4 stars; one submission).

Submission:

Labcorp Genetics (formerly Invitae), Labcorp
Classification: Uncertain significance. Last evaluated: 2022-05-17. Review status: criteria provided, single submitter. Criteria: Invitae Variant Classification Sherloc (09022015). Collection method: clinical testing. Allele origin: germline.
Comment: In summary, the available evidence is currently insufficient to determine the role of this variant in disease. Therefore, it has been classified as a Variant of Uncertain Significance. Algorithms developed to predict the effect of sequence changes on RNA splicing suggest that this variant may disrupt the consensus splice site. This variant has not been reported in the literature in individuals affected with ATR-related conditions. This variant is not present in population databases (gnomAD no frequency). This sequence change affects codon 877 of the ATR mRNA. It is a 'silent' change, meaning that it does not change the encoded amino acid sequence of the ATR protein.

NM_001184.4(ATR):c.2631A>G (p.Gly877=)

Gene: ATR (ATR checkpoint kinase; minus strand). Cytogenetic location: 3q23.
Variant type: single nucleotide variant.
Coding change: c.2631A>G on transcript NM_001184.4 (MANE Select); coding-DNA position 2631, A replaced by G.
Protein change: p.Gly877=; no amino-acid change (glycine 877 retained).
Molecular consequence: synonymous variant.
Genome position (GRCh38, 1-based): chr3:142,553,642, T>C on the plus strand (A>G on the coding strand, the complement: ATR is on the minus strand). VCF-style: chr3-142553642-T-C. GRCh37 (hg19) VCF-style: chr3-142272484-T-C.
Other names: c.2439A>G, p.Gly813= (NM_001354579.2).
Identifiers: ClinVar variation 2067861 (VCV002067861.4), dbSNP rs2473383836, ClinGen allele CA436172059.